The following is an entry in ClinVar:

ClinVar aggregate classification (germline): Uncertain significance (1 of 4 stars; one submission).

Conditions:
Severe combined immunodeficiency due to DNA-PKcs deficiency. Also called: IMMUNODEFICIENCY 26 WITH NEUROLOGIC ABNORMALITIES; Immunodeficiency 26 with or without neurologic abnormalities. Identifiers: Orphanet 317425, MedGen C4014833, MONDO:0014423, OMIM 615966.

Submission:

Labcorp Genetics (formerly Invitae), Labcorp
Classification: Uncertain significance for Severe combined immunodeficiency due to DNA-PKcs deficiency. Last evaluated: 2024-02-24. Review status: criteria provided, single submitter. Criteria: Invitae Variant Classification Sherloc (09022015). Collection method: clinical testing. Allele origin: germline.
Comment: This variant, c.9094_9100delinsTTCA, is a complex sequence change that results in the deletion of 3 and insertion of 2 amino acid(s) in the PRKDC protein (p.Ser3032_Pro3034delinsPheThr). This variant is not present in population databases (gnomAD no frequency). This variant has not been reported in the literature in individuals affected with PRKDC-related conditions. ClinVar contains an entry for this variant (Variation ID: 1394780). Experimental studies and prediction algorithms are not available or were not evaluated, and the functional significance of this variant is currently unknown. In summary, the available evidence is currently insufficient to determine the role of this variant in disease. Therefore, it has been classified as a Variant of Uncertain Significance.

NM_006904.7(PRKDC):c.9094_9100delinsTTCA (p.Ser3032_Pro3034delinsPheThr)

Gene: PRKDC (protein kinase, DNA-activated, catalytic subunit; minus strand). Cytogenetic location: 8q11.21.
Variant type: Indel.
Coding change: c.9094_9100delinsTTCA on transcript NM_006904.7 (MANE Select); coding-DNA positions 9094 to 9100, AGTGAAC replaced by TTCA.
Protein change: p.Ser3032_Pro3034delinsPheThr.
Molecular consequence: inframe indel.
Genome position (GRCh38, 1-based): chr8:47,821,615-47,821,621, GTTCACT replaced by TGAA on the plus strand (AGTGAAC replaced by TTCA on the coding strand, the reverse complement: PRKDC is on the minus strand). VCF-style: chr8-47821615-GTTCACT-TGAA. GRCh37 (hg19) VCF-style: chr8-48734176-GTTCACT-TGAA.
Other names: c.9094_9100delinsTTCA, p.Ser3032_Pro3034delinsPheThr (NM_001081640.2).
Identifiers: ClinVar variation 1394780 (VCV001394780.6), dbSNP rs2154499029, ClinGen allele CA2573143195.